The following is an entry in ClinVar:

NM_152617.4(RNF168):c.1214_1230del (p.Ala405fs)

Gene: RNF168 (ring finger protein 168; minus strand). Cytogenetic location: 3q29.
Variant type: Deletion.
Coding change: c.1214_1230del on transcript NM_152617.4 (MANE Select); coding-DNA positions 1214 to 1230, 17 bases deleted (CAAAAAGAAGAAAAGTG).
Protein change: p.Ala405fs; shifts the reading frame from alanine 405.
Molecular consequence: frameshift variant.
Genome position (GRCh38, 1-based): chr3:196,472,305-196,472,321, CACTTTTCTTCTTTTTG deleted on the plus strand (CAAAAAGAAGAAAAGTG on the coding strand, the reverse complement: RNF168 is on the minus strand); deleting any 17 consecutive bases within chr3:196,472,305-196,472,323 gives the same sequence; the c. name uses the placement nearest the transcript's 3' end. VCF-style (leftmost placement, unchanged base first): chr3-196472304-ACACTTTTCTTCTTTTTG-A. GRCh37 (hg19) VCF-style: chr3-196199175-ACACTTTTCTTCTTTTTG-A.
Other names: short protein forms A405fs.
Identifiers: ClinVar variation 3657553 (VCV003657553.2).

ClinVar aggregate classification (germline): Pathogenic (1 of 4 stars; one submission).

Submission:

Labcorp Genetics (formerly Invitae), Labcorp
Classification: Pathogenic. Last evaluated: 2025-01-15. Review status: criteria provided, single submitter. Criteria: Invitae Variant Classification Sherloc (09022015). Collection method: clinical testing. Allele origin: germline.
Comment: This sequence change creates a premature translational stop signal (p.Ala405Valfs*28) in the RNF168 gene. While this is not anticipated to result in nonsense mediated decay, it is expected to disrupt the last 167 amino acid(s) of the RNF168 protein. This variant is present in population databases (rs748769814, gnomAD 0.0009%). This variant has not been reported in the literature in individuals affected with RNF168-related conditions. This variant disrupts a region of the RNF168 protein in which other variant(s) (p.Gln442Lysfs*45) have been determined to be pathogenic (PMID: 17940005, 19203578). This suggests that this is a clinically significant region of the protein, and that variants that disrupt it are likely to be disease-causing. For these reasons, this variant has been classified as Pathogenic.

Literature cited by the submitters: PubMed 17940005; PubMed 19203578.